The following is an entry in ClinVar:

NM_016277.5(RAB23):c.184T>C (p.Leu62=)

Gene: RAB23 (RAB23, member RAS oncogene family; minus strand). Cytogenetic location: 6p11.2.
Variant type: single nucleotide variant.
Coding change: c.184T>C on transcript NM_016277.5 (MANE Select); coding-DNA position 184, T replaced by C.
Protein change: p.Leu62=; no amino-acid change (leucine 62 retained).
Molecular consequence: synonymous variant.
Genome position (GRCh38, 1-based): chr6:57,207,685, A>G on the plus strand (T>C on the coding strand, the complement: RAB23 is on the minus strand). VCF-style: chr6-57207685-A-G. GRCh37 (hg19) VCF-style: chr6-57072483-A-G.
Other names: c.184T>C, p.Leu62= (NM_001278666.2, NM_001278667.2, NM_001278668.2 and 1 more transcripts); c.184T>C (NM_183227.2).
Identifiers: ClinVar variation 1131224 (VCV001131224.11), dbSNP rs779101760, ClinGen allele CA3873890.

ClinVar aggregate classification (germline): Likely benign. Review status: criteria provided, single submitter (1 of 4 stars). 2 submissions from 2 submitters: Likely benign (1). 1 of the submissions does not count toward it. Last evaluated 2023-09-20.

Conditions:
RAB23-related disorder. Also called: RAB23-related condition.
Carpenter syndrome. Identifiers: Orphanet 65759, MedGen C1275078, MONDO:0019012.

Allele frequency attached by ClinVar (database versions not stated): gnomAD exomes 0.00001; ExAC 0.00002.
gnomAD v4.1: 4 of 1,604,326 alleles (0.00025%); highest among the groups gnomAD compares: Non-Finnish European, 0.00026%; no homozygotes.

Submissions (2):

Labcorp Genetics (formerly Invitae), Labcorp
Classification: Likely benign for Carpenter syndrome. Last evaluated: 2023-09-20. Review status: criteria provided, single submitter. Criteria: Invitae Variant Classification Sherloc (09022015). Collection method: clinical testing. Allele origin: germline.

PreventionGenetics, part of Exact Sciences
Classification: Likely benign for RAB23-related condition. Last evaluated: 2021-08-10. Review status: no assertion criteria provided. Collection method: clinical testing. Allele origin: germline. Not counted in ClinVar's aggregate classification.
Comment: This variant is classified as likely benign based on ACMG/AMP sequence variant interpretation guidelines (Richards et al. 2015 PMID: 25741868, with internal and published modifications).